The following is an entry in ClinVar:

NM_002609.4(PDGFRB):c.2587-5T>C

Gene: PDGFRB (platelet derived growth factor receptor beta; minus strand). Cytogenetic location: 5q32.
Variant type: single nucleotide variant.
Coding change: c.2587-5T>C on transcript NM_002609.4 (MANE Select); 5 bases into the intron before coding-DNA position 2587, T replaced by C.
Molecular consequence: intron variant.
Genome position (GRCh38, 1-based): chr5:150,120,128, A>G on the plus strand (T>C on the coding strand, the complement: PDGFRB is on the minus strand). VCF-style: chr5-150120128-A-G. GRCh37 (hg19) VCF-style: chr5-149499691-A-G.
Other names: c.2395-5T>C (NM_001355016.2); c.2104-5T>C (NM_001355017.2); c.2587-5T>C (NM_002609.3).
Identifiers: ClinVar variation 1533537 (VCV001533537.9), dbSNP rs758524703, ClinGen allele CA3507574.

ClinVar aggregate classification (germline): Benign. Review status: criteria provided, single submitter (1 of 4 stars). 2 submissions from 2 submitters: Benign (1). 1 of the submissions does not count toward it. Last evaluated 2021-10-10.

Conditions:
PDGFRB-related disorder. Also called: PDGFRB-related condition.
Basal ganglia calcification, idiopathic, 4 (PFBC4). Also called: Familial Idiopathic Basal Ganglia Calcification 4; PRIMARY FAMILIAL BRAIN CALCIFICATION 4, AUTOSOMAL DOMINANT. Identifiers: Orphanet 1980, MedGen C3554321, MONDO:0014004, OMIM 615007.
Acroosteolysis-keloid-like lesions-premature aging syndrome. Also called: Premature aging syndrome, Penttinen type; Prematurely aged appearance, delayed bone maturation, acro-osteolysis, and brachydactyly; Progeroid syndrome, Penttinen type. Identifiers: Orphanet 363665, MedGen C1866182, MONDO:0011150, OMIM 601812.
Infantile myofibromatosis (IMF). Also called: Congenital generalized fibromatosis. Identifiers: Orphanet 2591, MedGen C0432284, MONDO:0016824.
Skeletal overgrowth-craniofacial dysmorphism-hyperelastic skin-white matter lesions syndrome. Also called: SKELETAL OVERGROWTH WITH FACIAL DYSMORPHISM, HYPERELASTIC SKIN, WHITE MATTER LESIONS, AND NEUROLOGIC DETERIORATION; Kosaki overgrowth syndrome. Identifiers: Orphanet 477831, MedGen C4225270, MONDO:0014704, OMIM 616592.

Allele frequency attached by ClinVar (database versions not stated): gnomAD 0.00003 and 0.00001; gnomAD exomes 0.00008 and 0.00017; ExAC 0.00019; TOPMed below 0.00001.
gnomAD v4.1: 99 of 1,340,650 alleles (0.0074%); highest among the groups gnomAD compares: South Asian, 0.093%; 1 homozygote.

Submissions (2):

Labcorp Genetics (formerly Invitae), Labcorp
Classification: Benign for Basal ganglia calcification, idiopathic, 4; Skeletal overgrowth-craniofacial dysmorphism-hyperelastic skin-white matter lesions syndrome; Infantile myofibromatosis; Acroosteolysis-keloid-like lesions-premature aging syndrome. Last evaluated: 2021-10-10. Review status: criteria provided, single submitter. Criteria: Invitae Variant Classification Sherloc (09022015). Collection method: clinical testing. Allele origin: germline.

PreventionGenetics, part of Exact Sciences
Classification: Likely benign for PDGFRB-related condition. Last evaluated: 2024-01-26. Review status: no assertion criteria provided. Collection method: clinical testing. Allele origin: germline. Not counted in ClinVar's aggregate classification.
Comment: This variant is classified as likely benign based on ACMG/AMP sequence variant interpretation guidelines (Richards et al. 2015 PMID: 25741868, with internal and published modifications).